The following is an entry in ClinVar:

ClinVar aggregate classification (germline): Likely pathogenic (1 of 4 stars; one submission).

Conditions:
Usher syndrome type 1C. Also called: USHER SYNDROME, TYPE I, ACADIAN VARIETY. Identifiers: Orphanet 231169, Orphanet 886, MedGen C1848604, MONDO:0010171, OMIM 276904.

Submission:

Natera, Inc.
Classification: Likely pathogenic for Usher syndrome type 1C. Last evaluated: 2024-08-30. Review status: criteria provided, single submitter. Criteria: Natera Variant Classification Schema (03/2026). Collection method: clinical testing. Allele origin: germline.
Comment: The c.1157T>A variant in USH1C is a nonsense variant predicted to introduce a stop codon at amino acid 386. This variant is expected to result in nonsense mediated decay, truncation, or a dysfunctional protein product. This variant is rare in the general population with a frequency below the threshold expected for the associated phenotype(s). Given the available evidence, this variant is classified as Likely Pathogenic.

NM_153676.4(USH1C):c.1157T>A (p.Leu386Ter)

Gene: USH1C (USH1 protein network component harmonin; minus strand). Cytogenetic location: 11p15.1.
Variant type: single nucleotide variant.
Coding change: c.1157T>A on transcript NM_153676.4 (MANE Select); coding-DNA position 1157, T replaced by A.
Protein change: p.Leu386Ter; replaces leucine 386 with a stop codon.
Molecular consequence: nonsense. On other transcripts: non-coding transcript variant (1).
Genome position (GRCh38, 1-based): chr11:17,520,923, A>T on the plus strand (T>A on the coding strand, the complement: USH1C is on the minus strand). VCF-style: chr11-17520923-A-T. GRCh37 (hg19) VCF-style: chr11-17542470-A-T.
Other names: c.1100T>A, p.Leu367Ter (NM_001297764.2); c.1190T>A, p.Leu397Ter (NM_001440679.1, NM_001440684.1); c.1157T>A, p.Leu386Ter (NM_001440680.1, NM_001440681.1, NM_001440682.1 and 4 more transcripts); c.1133T>A, p.Leu378Ter (NM_001440686.1); short protein forms L367*, L378*, L386*, L397*.
Identifiers: ClinVar variation 4815457 (VCV004815457.1).